The following is an entry in ClinVar:

NM_006015.6(ARID1A):c.2419+6T>C

Gene: ARID1A (AT-rich interaction domain 1A; plus strand). Cytogenetic location: 1p36.11.
Variant type: single nucleotide variant.
Coding change: c.2419+6T>C on transcript NM_006015.6 (MANE Select); 6 bases into the intron after coding-DNA position 2419, T replaced by C.
Molecular consequence: intron variant.
Genome position (GRCh38, 1-based): chr1:26,762,325, T>C. VCF-style: chr1-26762325-T-C. GRCh37 (hg19) VCF-style: chr1-27088816-T-C.
Other names: c.2419+6T>C (NM_139135.4).
Identifiers: ClinVar variation 3769972 (VCV003769972.1).

ClinVar aggregate classification (germline): Uncertain significance (1 of 4 stars; one submission).

Submission:

GeneDx
Classification: Uncertain significance. Last evaluated: 2024-09-11. Review status: criteria provided, single submitter. Criteria: GeneDx Variant Classification Process June 2021. Collection method: clinical testing. Allele origin: germline. Affected: yes.
Comment: Not observed at significant frequency in large population cohorts (gnomAD); In silico analysis supports a deleterious effect on splicing; Has not been previously published as pathogenic or benign to our knowledge